The following is an entry in ClinVar:

ClinVar aggregate classification (germline): Uncertain significance (1 of 4 stars; one submission).

Submission:

GeneDx
Classification: Uncertain significance. Last evaluated: 2020-05-08. Review status: criteria provided, single submitter. Criteria: GeneDx Variant Classification Process June 2021. Collection method: clinical testing. Allele origin: germline. Affected: yes.
Comment: Not observed in large population cohorts (Lek et al., 2016); Canonical splice site variant predicted to result in an in-frame deletion; Has not been previously published as pathogenic or benign to our knowledge

NM_020297.4(ABCC9):c.4512+1G>A

Genes: ABCC9 (ATP binding cassette subfamily C member 9; minus strand), KCNJ8-AS1 (KCNJ8 antisense RNA 1; plus strand). Cytogenetic location: 12p12.1.
Variant type: single nucleotide variant.
Coding change: c.4512+1G>A on transcript NM_020297.4 (MANE Select); the canonical splice donor site of the intron after coding-DNA position 4512, G replaced by A.
Molecular consequence: splice donor variant.
Genome position (GRCh38, 1-based): chr12:21,805,997, C>T on the plus strand (G>A on the coding strand, the complement: ABCC9 is on the minus strand). VCF-style: chr12-21805997-C-T. GRCh37 (hg19) VCF-style: chr12-21958931-C-T.
Other names: c.3645+1G>A (NM_001377274.1); c.4512+1G>A (NM_005691.4, NM_001377273.1).
Identifiers: ClinVar variation 1204072 (VCV001204072.3), dbSNP rs2137109938, ClinGen allele CA384129916.
Genomic context (GRCh38, chr12:21,805,997, plus strand): 5'-GATGATAACATGTTAGAACAAAAACCAAAGAGGTATACCAACTCCGTCTTCTCATACTTA[C>T]AGCTATTGTCACCACGGTCCGGTCTGCAAAGGCTGTCATTACTACTTTTTGCAAAATATT-3'